The following is an entry in ClinVar:

NM_004960.4(FUS):c.1417C>T (p.Arg473Cys)

Gene: FUS (FUS RNA binding protein; plus strand). Cytogenetic location: 16p11.2.
Variant type: single nucleotide variant.
Coding change: c.1417C>T on transcript NM_004960.4 (MANE Select); coding-DNA position 1417, C replaced by T.
Protein change: p.Arg473Cys; replaces arginine 473 with cysteine.
Molecular consequence: missense variant. On other transcripts: non-coding transcript variant (1).
Genome position (GRCh38, 1-based): chr16:31,190,986, C>T. VCF-style: chr16-31190986-C-T. GRCh37 (hg19) VCF-style: chr16-31202307-C-T.
Other names: c.1414C>T, p.Arg472Cys (NM_001170634.1); c.1405C>T, p.Arg469Cys (NM_001170937.1); short protein forms R473C, R469C, R472C.
Identifiers: ClinVar variation 1772157 (VCV001772157.2), dbSNP rs2544278904, ClinGen allele CA395675713.

ClinVar aggregate classification (germline): Uncertain significance (1 of 4 stars; one submission).

Conditions:
Inborn genetic diseases. Identifiers: MedGen C0950123, MeSH D030342.

Allele frequency attached by ClinVar (database versions not stated): gnomAD exomes below 0.00001.
gnomAD v4.1: 2 of 1,612,998 alleles (0.00012%); highest among the groups gnomAD compares: Middle Eastern, 0.017%; no homozygotes.

Submission:

Ambry Genetics
Classification: Uncertain significance for Inborn genetic diseases. Last evaluated: 2022-09-26. Review status: criteria provided, single submitter. Criteria: Ambry Variant Classification Scheme 2023. Collection method: clinical testing. Allele origin: germline.
Comment: The p.R473C variant (also known as c.1417C>T), located in coding exon 14 of the FUS gene, results from a C to T substitution at nucleotide position 1417. The arginine at codon 473 is replaced by cysteine, an amino acid with highly dissimilar properties. This amino acid position is conserved. In addition, the in silico prediction for this alteration is inconclusive. Since supporting evidence is limited at this time, the clinical significance of this alteration remains unclear.